The following is an entry in ClinVar:

NM_001378454.1(ALMS1):c.1761G>A (p.Gln587=)

Gene: ALMS1 (ALMS1 centrosome and basal body associated protein; plus strand). Cytogenetic location: 2p13.1.
Variant type: single nucleotide variant.
Coding change: c.1761G>A on transcript NM_001378454.1 (MANE Select); coding-DNA position 1761, G replaced by A.
Protein change: p.Gln587=; no amino-acid change (glutamine 587 retained).
Molecular consequence: synonymous variant.
Genome position (GRCh38, 1-based): chr2:73,448,288, G>A. VCF-style: chr2-73448288-G-A. GRCh37 (hg19) VCF-style: chr2-73675415-G-A.
Other names: c.1764G>A, p.Gln588= (NM_015120.4).
Identifiers: ClinVar variation 3347502 (VCV003347502.1).

ClinVar aggregate classification (germline): Likely benign (0 of 4 stars; one submission).

Conditions:
ALMS1-related disorder. Also called: ALMS1-related condition.

Submission:

PreventionGenetics, part of Exact Sciences
Classification: Likely benign for ALMS1-related condition. Last evaluated: 2024-07-24. Review status: no assertion criteria provided. Collection method: clinical testing. Allele origin: germline.
Comment: This variant is classified as likely benign based on ACMG/AMP sequence variant interpretation guidelines (Richards et al. 2015 PMID: 25741868, with internal and published modifications).